The following is an entry in ClinVar:

ClinVar aggregate classification (germline): Uncertain significance (1 of 4 stars; one submission).

Allele frequency attached by ClinVar (database versions not stated): TOPMed below 0.00001; gnomAD 0.00001.
gnomAD v4.1: 15 of 1,356,456 alleles (0.0011%); highest among the groups gnomAD compares: Admixed American, 0.024%; no homozygotes.

Submission:

Labcorp Genetics (formerly Invitae), Labcorp
Classification: Uncertain significance. Last evaluated: 2022-08-11. Review status: criteria provided, single submitter. Criteria: Invitae Variant Classification Sherloc (09022015). Collection method: clinical testing. Allele origin: germline.
Comment: This sequence change replaces proline, which is neutral and non-polar, with arginine, which is basic and polar, at codon 727 of the PDZD7 protein (p.Pro727Arg). This variant is present in population databases (no rsID available, gnomAD 0.04%). This variant has not been reported in the literature in individuals affected with PDZD7-related conditions. ClinVar contains an entry for this variant (Variation ID: 957700). Algorithms developed to predict the effect of missense changes on protein structure and function are either unavailable or do not agree on the potential impact of this missense change (SIFT: "Deleterious"; PolyPhen-2: "Not Available"; Align-GVGD: "Class C0"). In summary, the available evidence is currently insufficient to determine the role of this variant in disease. Therefore, it has been classified as a Variant of Uncertain Significance.

NM_001195263.2(PDZD7):c.2180C>G (p.Pro727Arg)

Gene: PDZD7 (PDZ domain containing 7; minus strand). Cytogenetic location: 10q24.31.
Variant type: single nucleotide variant.
Coding change: c.2180C>G on transcript NM_001195263.2 (MANE Select); coding-DNA position 2180, C replaced by G.
Protein change: p.Pro727Arg; replaces proline 727 with arginine.
Molecular consequence: missense variant.
Genome position (GRCh38, 1-based): chr10:101,010,709, G>C on the plus strand (C>G on the coding strand, the complement: PDZD7 is on the minus strand). VCF-style: chr10-101010709-G-C. GRCh37 (hg19) VCF-style: chr10-102770466-G-C.
Other names: short protein forms P727R.
Identifiers: ClinVar variation 957700 (VCV000957700.5), dbSNP rs551067965, ClinGen allele CA378225003.
Genomic context (GRCh38, chr10:101,010,709, plus strand): 5'-CGCAGGGGCCGGGGAGCCACGGGGGGTAGCTGGGGAGGGGGTGTGCAGGCAATTCGGAGG[G>C]GGGTGAAGGCATCTACTGGCACGTCTTGTAGAGGGGGGATCCCTTTATGGGGGTGGCGAG-3'
Protein context (NP_001182192.1, residues 717-737): LQDVPVDAFT[Pro727Arg]LRIACTPPPQ